The following is an entry in ClinVar:

NM_031443.4(CCM2):c.305dup (p.His104fs)

Gene: CCM2 (CCM2 scaffold protein; plus strand). Cytogenetic location: 7p13.
Variant type: Duplication.
Coding change: c.305dup on transcript NM_031443.4 (MANE Select); coding-DNA position 305, one base duplicated (C; older notation c.305dupC).
Protein change: p.His104fs; shifts the reading frame from histidine 104.
Molecular consequence: frameshift variant. On other transcripts: non-coding transcript variant (1).
Genome position (GRCh38, 1-based): chr7:45,064,479, C duplicated; the last of 2 consecutive C bases (chr7:45,064,478-45,064,479); duplicating either gives the same sequence. VCF-style (leftmost placement, unchanged base first): chr7-45064477-T-TC. GRCh37 (hg19) VCF-style: chr7-45104076-T-TC.
Other names: c.305dup, p.His104fs (NM_001363458.2, NM_001167935.2); c.131dup, p.His46fs (NM_001363459.2, NM_001167934.2); c.368dup, p.His125fs (NM_001029835.2); short protein forms H104fs, H125fs, H46fs.
Identifiers: ClinVar variation 1330532 (VCV001330532.9), dbSNP rs2128747608, ClinGen allele CA2573052889.

ClinVar aggregate classification (germline): Pathogenic (1 of 4 stars; one submission).

Conditions:
Cerebral cavernous malformation 2. Also called: Familial Cerebral Cavernous Malformation 2. Identifiers: Orphanet 221061, MedGen C1864041, MONDO:0011304, OMIM 603284.

Submission:

ARUP Laboratories, Molecular Genetics and Genomics, ARUP Laboratories
Classification: Pathogenic for Cerebral cavernous malformation 2. Last evaluated: 2022-08-12. Review status: criteria provided, single submitter. Criteria: ARUP Molecular Germline Variant Investigation Process 2021. Collection method: clinical testing. Allele origin: germline.
Comment: The CCM2 c.305dupC; p.His104ThrfsTer35 variant, to our knowledge, is not reported in the medical literature or gene specific databases. This variant is absent from the Genome Aggregation Database, indicating it is not a common polymorphism. This variant causes a frameshift by inserting a single nucleotide, so it is predicted to result in a truncated protein or mRNA subject to nonsense-mediated decay. CCM2 loss-of-function is an established mechanism of disease, and multiple truncating variants downstream of c.305dupC are reported in individuals affected with cerebral cavernous malformations. Based on available information, this variant is considered to be pathogenic.